The following is an entry in ClinVar:

NM_002617.4(PEX10):c.926T>A (p.Leu309His)

Gene: PEX10 (peroxisomal biogenesis factor 10; minus strand). Cytogenetic location: 1p36.32.
Variant type: single nucleotide variant.
Coding change: c.926T>A on transcript NM_002617.4 (MANE Select); coding-DNA position 926, T replaced by A.
Protein change: p.Leu309His; replaces leucine 309 with histidine.
Molecular consequence: missense variant. On other transcripts: non-coding transcript variant (1).
Genome position (GRCh38, 1-based): chr1:2,405,821, A>T on the plus strand (T>A on the coding strand, the complement: PEX10 is on the minus strand). VCF-style: chr1-2405821-A-T. GRCh37 (hg19) VCF-style: chr1-2337260-A-T.
Other names: c.983T>A, p.Leu328His (NM_001374425.1); c.551T>A, p.Leu184His (NM_001374426.1); c.494T>A, p.Leu165His (NM_001374427.1); c.986T>A, p.Leu329His (NM_153818.2); short protein forms L184H, L328H, L329H, L165H, L309H.
Identifiers: ClinVar variation 1442986 (VCV001442986.8), dbSNP rs1175081963, ClinGen allele CA337983016.

ClinVar aggregate classification (germline): Uncertain significance (1 of 4 stars; one submission).

Conditions:
Peroxisome biogenesis disorder, complementation group 7 (CG7). Also called: Peroxisome biogenesis disorder, complementation group B. Identifiers: MedGen C1864399.

Allele frequency attached by ClinVar (database versions not stated): gnomAD exomes below 0.00001.

Submission:

Labcorp Genetics (formerly Invitae), Labcorp
Classification: Uncertain significance for Peroxisome biogenesis disorder, complementation group 7. Last evaluated: 2022-09-07. Review status: criteria provided, single submitter. Criteria: Invitae Variant Classification Sherloc (09022015). Collection method: clinical testing. Allele origin: germline.
Comment: This variant has not been reported in the literature in individuals affected with PEX10-related conditions. This sequence change replaces leucine, which is neutral and non-polar, with histidine, which is basic and polar, at codon 329 of the PEX10 protein (p.Leu329His). The frequency data for this variant in the population databases is considered unreliable, as metrics indicate poor data quality at this position in the gnomAD database. ClinVar contains an entry for this variant (Variation ID: 1442986). Algorithms developed to predict the effect of missense changes on protein structure and function (SIFT, PolyPhen-2, Align-GVGD) all suggest that this variant is likely to be disruptive. In summary, the available evidence is currently insufficient to determine the role of this variant in disease. Therefore, it has been classified as a Variant of Uncertain Significance.